The following is an entry in ClinVar:

ClinVar aggregate classification (germline): Conflicting classifications of pathogenicity. Review status: criteria provided, conflicting classifications (1 of 4 stars). 5 submissions from 5 submitters: Pathogenic (1); Likely pathogenic (3); Uncertain significance (1). Last evaluated 2026-08-01.

Conditions:
Inborn genetic diseases. Identifiers: MedGen C0950123, MeSH D030342.
Familial hemiplegic migraine. Identifiers: MedGen C0338484, MONDO:0000700.
ATP1A2-related disorder. Also called: ATP1A2-related condition; ATP1A2-RELATED DISORDERS.

Allele frequency attached by ClinVar (database versions not stated): gnomAD exomes below 0.00001.
gnomAD v4.1: 1 of 1,614,156 alleles (0.000062%); highest among the groups gnomAD compares: Non-Finnish European, 0.000085%; no homozygotes.

Submissions (5):

CeGaT Center for Human Genetics Tuebingen
Classification: Likely pathogenic. Last evaluated: 2026-08-01. Review status: criteria provided, single submitter. Criteria: CeGaT Center For Human Genetics Tuebingen Variant Classification Criteria Version 2. Collection method: clinical testing. Allele origin: germline. Affected: yes. Observed: 1 variant allele.
Comment: ATP1A2: PM5, PM2:Supporting, PM6:Supporting, PS3:Supporting, PS4:Supporting

Labcorp Genetics (formerly Invitae), Labcorp
Classification: Uncertain significance for Familial hemiplegic migraine. Last evaluated: 2026-01-31. Review status: criteria provided, single submitter. Criteria: Invitae Variant Classification Sherloc (09022015). Collection method: clinical testing. Allele origin: germline.
Comment: This sequence change replaces arginine, which is basic and polar, with glutamine, which is neutral and polar, at codon 593 of the ATP1A2 protein (p.Arg593Gln). This variant is not present in population databases (gnomAD no frequency). This missense change has been observed in individual(s) with clinical features of ATP1A2-related conditions (PMID: 33880529). ClinVar contains an entry for this variant (Variation ID: 520985). Invitae Evidence Modeling of protein sequence and biophysical properties (such as structural, functional, and spatial information, amino acid conservation, physicochemical variation, residue mobility, and thermodynamic stability) indicates that this missense variant is expected to disrupt ATP1A2 protein function with a positive predictive value of 80%. Experimental studies have shown that this missense change affects ATP1A2 function (PMID: 33880529). This variant disrupts the p.Arg593 amino acid residue in ATP1A2. Other variant(s) that disrupt this residue have been determined to be pathogenic (PMID: 16538223, 22117059). This suggests that this residue is clinically significant, and that variants that disrupt this residue are likely to be disease-causing. In summary, the available evidence is currently insufficient to determine the role of this variant in disease. Therefore, it has been classified as a Variant of Uncertain Significance.

GeneDx
Classification: Likely pathogenic. Last evaluated: 2025-06-11. Review status: criteria provided, single submitter. Criteria: GeneDx Variant Classification Process June 2021. Collection method: clinical testing. Allele origin: germline. Affected: yes.
Comment: Not observed at significant frequency in large population cohorts (gnomAD); In silico analysis supports that this missense variant has a deleterious effect on protein structure/function; This variant is associated with the following publications: (PMID: 22117059, 16538223, 18957371, 35724808, 18184292, 33880529, 39072579)

Blueprint Genetics
Classification: Likely pathogenic for ATP1A2-related disorders. Last evaluated: 2020-12-31. Review status: criteria provided, single submitter. Criteria: ACMG Guidelines, 2015. Collection method: clinical testing. Allele origin: germline. Affected: yes. Observed: 3 variant alleles.

Ambry Genetics
Classification: Pathogenic for Inborn genetic diseases. Last evaluated: 2016-04-04. Review status: criteria provided, single submitter. Criteria: Ambry exome assertion method (8-5-2015). Collection method: clinical testing. Allele origin: germline. Affected: yes. Observed: 1 variant allele.

Literature cited by the submitters: PubMed 33880529 (cited by Labcorp Genetics (formerly Invitae), Labcorp); PubMed 16538223 (cited by Labcorp Genetics (formerly Invitae), Labcorp and Ambry Genetics); PubMed 22117059 (cited by Labcorp Genetics (formerly Invitae), Labcorp and Ambry Genetics); PubMed 18957371 (cited by Ambry Genetics).

NM_000702.4(ATP1A2):c.1778G>A (p.Arg593Gln)

Gene: ATP1A2 (ATPase Na+/K+ transporting subunit alpha 2; plus strand). Cytogenetic location: 1q23.2.
Variant type: single nucleotide variant.
Coding change: c.1778G>A on transcript NM_000702.4 (MANE Select); coding-DNA position 1778, G replaced by A.
Protein change: p.Arg593Gln; replaces arginine 593 with glutamine.
Molecular consequence: missense variant.
Genome position (GRCh38, 1-based): chr1:160,130,548, G>A. VCF-style: chr1-160130548-G-A. GRCh37 (hg19) VCF-style: chr1-160100338-G-A.
Other names: short protein forms R593Q.
Identifiers: ClinVar variation 520985 (VCV000520985.10), dbSNP rs1553245178, ClinGen allele CA343244417.